The following is an entry in ClinVar:

NM_020738.4(KIDINS220):c.1289C>T (p.Pro430Leu)

Gene: KIDINS220 (kinase D interacting substrate 220; minus strand). Cytogenetic location: 2p25.1.
Variant type: single nucleotide variant.
Coding change: c.1289C>T on transcript NM_020738.4 (MANE Select); coding-DNA position 1289, C replaced by T.
Protein change: p.Pro430Leu; replaces proline 430 with leucine.
Molecular consequence: missense variant. On other transcripts: non-coding transcript variant (2).
Genome position (GRCh38, 1-based): chr2:8,791,212, G>A on the plus strand (C>T on the coding strand, the complement: KIDINS220 is on the minus strand). VCF-style: chr2-8791212-G-A. GRCh37 (hg19) VCF-style: chr2-8931342-G-A.
Other names: c.1289C>T (NM_020738.2); c.1292C>T, p.Pro431Leu (NM_001348729.2, NM_001348731.2, NM_001348734.2 and 3 more transcripts); c.1289C>T, p.Pro430Leu (NM_001348732.2, NM_001348735.2, NM_001348738.2 and 3 more transcripts); c.1163C>T, p.Pro388Leu (NM_001348736.2); short protein forms P388L, P430L, P431L.
Identifiers: ClinVar variation 1918327 (VCV001918327.7), dbSNP rs760595726, ClinGen allele CA1520212.

ClinVar aggregate classification (germline): Uncertain significance. Review status: criteria provided, multiple submitters, no conflicts (2 of 4 stars). 3 submissions from 3 submitters: Uncertain significance (2). 1 of the submissions does not count toward it. Last evaluated 2026-05-13.

Conditions:
Inborn genetic diseases. Identifiers: MedGen C0950123, MeSH D030342.
KIDINS220-related disorder. Also called: KIDINS220-related condition.

Allele frequency attached by ClinVar (database versions not stated): TOPMed below 0.00001; ExAC 0.00001; gnomAD exomes 0.00001.

Submissions (3):

Ambry Genetics
Classification: Uncertain significance for Inborn genetic diseases. Last evaluated: 2026-05-13. Review status: criteria provided, single submitter. Criteria: Ambry Variant Classification Scheme 2023. Collection method: clinical testing. Allele origin: germline.
Comment: The c.1289C>T (p.P430L) alteration is located in exon 13 (coding exon 12) of the KIDINS220 gene. This alteration results from a C to T substitution at nucleotide position 1289, causing the proline (P) at amino acid position 430 to be replaced by a leucine (L). Based on data from gnomAD, the T allele has an overall frequency of <0.001% (1/248690) total alleles studied. The highest observed frequency was 0.003% (1/34372) of Latino alleles. Based on insufficient or conflicting evidence, the clinical significance of this alteration remains unclear.

Labcorp Genetics (formerly Invitae), Labcorp
Classification: Uncertain significance. Last evaluated: 2022-10-18. Review status: criteria provided, single submitter. Criteria: Invitae Variant Classification Sherloc (09022015). Collection method: clinical testing. Allele origin: germline.
Comment: This variant has not been reported in the literature in individuals affected with KIDINS220-related conditions. In summary, the available evidence is currently insufficient to determine the role of this variant in disease. Therefore, it has been classified as a Variant of Uncertain Significance. Algorithms developed to predict the effect of missense changes on protein structure and function are either unavailable or do not agree on the potential impact of this missense change (SIFT: "Deleterious"; PolyPhen-2: "Probably Damaging"; Align-GVGD: "Class C15"). This variant is present in population databases (rs760595726, gnomAD 0.006%). This sequence change replaces proline, which is neutral and non-polar, with leucine, which is neutral and non-polar, at codon 430 of the KIDINS220 protein (p.Pro430Leu).

PreventionGenetics, part of Exact Sciences
Classification: Uncertain significance for KIDINS220-related condition. Last evaluated: 2024-04-25. Review status: no assertion criteria provided. Collection method: clinical testing. Allele origin: germline. Not counted in ClinVar's aggregate classification.
Comment: The KIDINS220 c.1289C>T variant is predicted to result in the amino acid substitution p.Pro430Leu. To our knowledge, this variant has not been reported in the literature. This variant is reported in 0.0029% of alleles in individuals of Latino descent in gnomAD. At this time, the clinical significance of this variant is uncertain due to the absence of conclusive functional and genetic evidence.